The following is an entry in ClinVar:

NM_015425.6(POLR1A):c.3034G>A (p.Gly1012Ser)

Gene: POLR1A (RNA polymerase I subunit A; minus strand). Cytogenetic location: 2p11.2.
Variant type: single nucleotide variant.
Coding change: c.3034G>A on transcript NM_015425.6 (MANE Select); coding-DNA position 3034, G replaced by A.
Protein change: p.Gly1012Ser; replaces glycine 1012 with serine.
Molecular consequence: missense variant.
Genome position (GRCh38, 1-based): chr2:86,044,240, C>T on the plus strand (G>A on the coding strand, the complement: POLR1A is on the minus strand). VCF-style: chr2-86044240-C-T. GRCh37 (hg19) VCF-style: chr2-86271363-C-T.
Other names: short protein forms G1012S.
Identifiers: ClinVar variation 2055063 (VCV002055063.4), dbSNP rs749022495, ClinGen allele CA1745874.

ClinVar aggregate classification (germline): Uncertain significance (1 of 4 stars; one submission).

Allele frequency attached by ClinVar (database versions not stated): ExAC 0.00003; gnomAD 0.00001; gnomAD exomes 0.00001.

Submission:

Labcorp Genetics (formerly Invitae), Labcorp
Classification: Uncertain significance. Last evaluated: 2025-07-30. Review status: criteria provided, single submitter. Criteria: Invitae Variant Classification Sherloc (09022015). Collection method: clinical testing. Allele origin: germline.
Comment: This sequence change replaces glycine, which is neutral and non-polar, with serine, which is neutral and polar, at codon 1012 of the POLR1A protein (p.Gly1012Ser). This variant is present in population databases (rs749022495, gnomAD 0.009%). This variant has not been reported in the literature in individuals affected with POLR1A-related conditions. ClinVar contains an entry for this variant (Variation ID: 2055063). Invitae Evidence Modeling of protein sequence and biophysical properties (such as structural, functional, and spatial information, amino acid conservation, physicochemical variation, residue mobility, and thermodynamic stability) indicates that this missense variant is expected to disrupt POLR1A protein function with a positive predictive value of 80%. In summary, the available evidence is currently insufficient to determine the role of this variant in disease. Therefore, it has been classified as a Variant of Uncertain Significance.